The following is an entry in ClinVar:

NM_017637.6(BNC2):c.2624G>A (p.Arg875His)

Genes: BNC2 (basonuclin zinc finger protein 2; minus strand), LOC126860585 (MED14-independent group 3 enhancer GRCh37_chr9:16435259-16436458; plus strand). Cytogenetic location: 9p22.3.
Variant type: single nucleotide variant.
Coding change: c.2624G>A on transcript NM_017637.6 (MANE Select); coding-DNA position 2624, G replaced by A.
Protein change: p.Arg875His; replaces arginine 875 with histidine.
Molecular consequence: missense variant.
Genome position (GRCh38, 1-based): chr9:16,435,570, C>T on the plus strand (G>A on the coding strand, the complement: BNC2 is on the minus strand). VCF-style: chr9-16435570-C-T. GRCh37 (hg19) VCF-style: chr9-16435568-C-T.
Other names: c.2498G>A, p.Arg833His (NM_001317939.2); c.2339G>A, p.Arg780His (NM_001317940.2); short protein forms R875H, R780H, R833H.
Identifiers: ClinVar variation 3016151 (VCV003016151.4), dbSNP rs565215420, ClinGen allele CA4995850.

ClinVar aggregate classification (germline): Uncertain significance. Review status: criteria provided, multiple submitters, no conflicts (2 of 4 stars). 2 submissions from 2 submitters: Uncertain significance (2). Last evaluated 2025-11-20.

Conditions:
Inborn genetic diseases. Identifiers: MedGen C0950123, MeSH D030342.

Allele frequency attached by ClinVar (database versions not stated): TOPMed 0.00001; gnomAD exomes 0.00003.
gnomAD v4.1: 43 of 1,613,806 alleles (0.0027%); highest among the groups gnomAD compares: Admixed American, 0.0067%; no homozygotes.

Submissions (2):

Ambry Genetics
Classification: Uncertain significance for Inborn genetic diseases. Last evaluated: 2025-11-20. Review status: criteria provided, single submitter. Criteria: Ambry Variant Classification Scheme 2023. Collection method: clinical testing. Allele origin: germline.

Labcorp Genetics (formerly Invitae), Labcorp
Classification: Uncertain significance. Last evaluated: 2022-12-22. Review status: criteria provided, single submitter. Criteria: Invitae Variant Classification Sherloc (09022015). Collection method: clinical testing. Allele origin: germline.
Comment: This sequence change replaces arginine, which is basic and polar, with histidine, which is basic and polar, at codon 875 of the BNC2 protein (p.Arg875His). This variant is present in population databases (rs565215420, gnomAD 0.01%). This variant has not been reported in the literature in individuals affected with BNC2-related conditions. Algorithms developed to predict the effect of missense changes on protein structure and function are either unavailable or do not agree on the potential impact of this missense change (SIFT: "Deleterious"; PolyPhen-2: "Probably Damaging"; Align-GVGD: "Class C0"). In summary, the available evidence is currently insufficient to determine the role of this variant in disease. Therefore, it has been classified as a Variant of Uncertain Significance.